The following is an entry in ClinVar:

ClinVar aggregate classification (germline): Likely pathogenic. Review status: criteria provided, multiple submitters, no conflicts (2 of 4 stars). 3 submissions from 3 submitters: Likely pathogenic (3). Last evaluated 2025-06-03.

Conditions:
Metachromatic leukodystrophy (MLD). Also called: METACHROMATIC LEUKOENCEPHALOPATHY; SULFATIDE LIPIDOSIS; ARSA DEFICIENCY; CEREBROSIDE SULFATASE DEFICIENCY; Cerebral sclerosis diffuse metachromatic form; Arylsulfatase A Deficiency. Identifiers: Orphanet 512, MedGen C0023522, MONDO:0018868, OMIM 250100.

Submissions (3):

Natera, Inc.
Classification: Likely pathogenic for Metachromatic leukodystrophy. Last evaluated: 2025-06-03. Review status: criteria provided, single submitter. Criteria: Natera Variant Classification Schema (03/2026). Collection method: clinical testing. Allele origin: germline.
Comment: The c.1130_1132delTCT variant in ARSA is an in-frame deletion predicted to remove phenylalanine at amino acid 377 while preserving the reading frame. This variant is rare in the general population with a frequency below the threshold expected for the associated phenotype(s). This variant has been observed in one or more individuals affected with the associated recessive disease, as either homozygous or compound heterozygous with a second variant (PMID: 31069529). This variant results in a change to the protein length while preserving reading frame, which may disrupt normal protein structure or function. Computational prediction algorithms indicate this variant is likely to affect gene or protein function. Given the available evidence, this variant is classified as Likely Pathogenic.

3billion
Classification: Likely pathogenic for Metachromatic leukodystrophy. Last evaluated: 2024-11-11. Review status: criteria provided, single submitter. Criteria: ACMG Guidelines, 2015. Collection method: clinical testing. Allele origin: germline. Affected: yes.
Comment: The variant is observed at an extremely low frequency in the gnomAD v4.1.0 dataset (total allele frequency: <0.001%). Predicted Consequence/Location: Inframe deletion located in a nonrepeat region: predicted to change the length of the protein and disrupt normal protein function. The variant has been reported to be in trans with a pathogenic variant as either compound heterozygous or homozygous in at least one similarly affected unrelated individual (PMID: 30057904). The variant has been reported to be associated with ARSA related disorder (PMID: 30057904). Therefore, this variant is classified as Likely pathogenic according to the recommendation of ACMG/AMP guideline.

Fulgent Genetics
Classification: Likely pathogenic for Metachromatic leukodystrophy. Last evaluated: 2024-06-23. Review status: criteria provided, single submitter. Criteria: ACMG Guidelines, 2015. Collection method: clinical testing. Allele origin: germline.

Literature cited by the submitters: PubMed 31069529 (cited by Natera, Inc.); PubMed 30057904 (cited by 3billion).

NM_000487.6(ARSA):c.1124TCT[2] (p.Phe377del)

Gene: ARSA (arylsulfatase A; minus strand). Cytogenetic location: 22q13.33.
Variant type: Microsatellite.
Coding change: c.1124TCT[2] on transcript NM_000487.6 (MANE Select); two copies in a row of the 3-base unit TCT starting at c.1124; the reference has three copies in a row; one copy, 3 bases deleted; also written c.1130_1132del.
Protein change: p.Phe377del; deletes phenylalanine 377.
Genome position (GRCh38, 1-based): chr22:50,625,657-50,625,659, AGA deleted on the plus strand (TCT on the coding strand, the reverse complement: ARSA is on the minus strand); deleting any 3 consecutive bases within chr22:50,625,657-50,625,665 gives the same sequence; the position shown is the placement nearest the transcript's 3' end. VCF-style (leftmost placement, unchanged base first): chr22-50625656-TAGA-T. GRCh37 (hg19) VCF-style: chr22-51064084-TAGA-T.
Other names: c.1124TCT[2], p.Phe377del (NM_001085425.3, NM_001085426.3, NM_001085427.3); c.866TCT[2], p.Phe291del (NM_001085428.3, NM_001362782.2); c.1130_1132delTCT (NM_000487.5); c.1130_1132del (NM_000487.6); short protein forms F377del, F291del.
Identifiers: ClinVar variation 3588130 (VCV003588130.3).
Genomic context (GRCh38, chr22:50,625,656, plus strand): 5'-GCCTTGTACTTTCCAGTCCGCACAGCAAAAACCCCACGGACCTCGTCTGGGTAGGACGGG[TAGA>T]AGAAGAGAGACTGCCGAGGGCTCTGGGGGCAGAGTCAGGGGTCACGGGGCGGGGCAGGCC-3'